The following is an entry in ClinVar:

NM_001111.5(ADAR):c.1570A>G (p.Ile524Val)

Gene: ADAR (adenosine deaminase RNA specific; minus strand). Cytogenetic location: 1q21.3.
Variant type: single nucleotide variant.
Coding change: c.1570A>G on transcript NM_001111.5 (MANE Select); coding-DNA position 1570, A replaced by G.
Protein change: p.Ile524Val; replaces isoleucine 524 with valine.
Molecular consequence: missense variant.
Genome position (GRCh38, 1-based): chr1:154,601,072, T>C on the plus strand (A>G on the coding strand, the complement: ADAR is on the minus strand). VCF-style: chr1-154601072-T-C. GRCh37 (hg19) VCF-style: chr1-154573548-T-C.
Other names: c.1570A>G (NM_001111.4); c.685A>G, p.Ile229Val (NM_001365049.1, NM_001025107.3, NM_001193495.2 and 3 more transcripts); c.1570A>G, p.Ile524Val (NM_015840.4, NM_015841.4); c.1597A>G, p.Ile533Val (NM_001365045.1); short protein forms I229V, I533V, I524V.
Identifiers: ClinVar variation 2947893 (VCV002947893.4), dbSNP rs1436969106, ClinGen allele CA342595975.
Genomic context (GRCh38, chr1:154,601,072, plus strand): 5'-CTAGGTACAGTTCCTGGGTGGTCTCTTACCGAGGTTCATGGGGTGGTCCACTCTGCTCTA[T>C]CATGTTGAACTCACAGGTTTGACTAGCGAACTGGGCATATTCTAACAGCCCGCTGATGGG-3'
Protein context (NP_001102.3, residues 514-534): FASQTCEFNM[Ile524Val]EQSGPPHEPR

ClinVar aggregate classification (germline): Uncertain significance. Review status: criteria provided, multiple submitters, no conflicts (2 of 4 stars). 2 submissions from 2 submitters: Uncertain significance (2). Last evaluated 2025-06-15.

Conditions:
Symmetrical dyschromatosis of extremities (DSH). Also called: RETICULATE ACROPIGMENTATION OF DOHI; SYMMETRIC DYSCHROMATOSIS OF THE EXTREMITIES; DYSCHROMATOSIS SYMMETRICA HEREDITARIA 1; Dyschromatosis symmetrica hereditaria. Identifiers: Orphanet 41, MedGen C0406775, MONDO:0007483, OMIM 127400.
Aicardi-Goutieres syndrome 6 (AGS6). Identifiers: Orphanet 51, MedGen C3539013, MONDO:0014007, OMIM 615010.
Inborn genetic diseases. Identifiers: MedGen C0950123, MeSH D030342.

Allele frequency attached by ClinVar (database versions not stated): TOPMed 0.00001; gnomAD exomes below 0.00001.
gnomAD v4.1: 2 of 1,614,184 alleles (0.00012%); highest among the groups gnomAD compares: African/African-American, 0.0013%; no homozygotes.

Submissions (2):

Labcorp Genetics (formerly Invitae), Labcorp
Classification: Uncertain significance for Aicardi-Goutieres syndrome 6; Symmetrical dyschromatosis of extremities. Last evaluated: 2025-06-15. Review status: criteria provided, single submitter. Criteria: Invitae Variant Classification Sherloc (09022015). Collection method: clinical testing. Allele origin: germline.
Comment: This sequence change replaces isoleucine, which is neutral and non-polar, with valine, which is neutral and non-polar, at codon 524 of the ADAR protein (p.Ile524Val). This variant is not present in population databases (gnomAD no frequency). This variant has not been reported in the literature in individuals affected with ADAR-related conditions. ClinVar contains an entry for this variant (Variation ID: 2947893). Invitae Evidence Modeling of protein sequence and biophysical properties (such as structural, functional, and spatial information, amino acid conservation, physicochemical variation, residue mobility, and thermodynamic stability) indicates that this missense variant is not expected to disrupt ADAR protein function with a negative predictive value of 80%. In summary, the available evidence is currently insufficient to determine the role of this variant in disease. Therefore, it has been classified as a Variant of Uncertain Significance.

Ambry Genetics
Classification: Uncertain significance for Inborn genetic diseases. Last evaluated: 2024-09-12. Review status: criteria provided, single submitter. Criteria: Ambry Variant Classification Scheme 2023. Collection method: clinical testing. Allele origin: germline.